The following is an entry in ClinVar:

ClinVar aggregate classification (germline): Uncertain significance (0 of 4 stars; one submission).

Conditions:
CACNA1S-related disorder. Also called: CACNA1S-related condition.

gnomAD v4.1: 2 of 1,614,194 alleles (0.00012%); highest among the groups gnomAD compares: Non-Finnish European, 0.00017%; no homozygotes.

Submission:

PreventionGenetics, part of Exact Sciences
Classification: Uncertain significance for CACNA1S-related condition. Last evaluated: 2024-03-21. Review status: no assertion criteria provided. Collection method: clinical testing. Allele origin: germline.
Comment: The CACNA1S c.4505G>A variant is predicted to result in the amino acid substitution p.Ser1502Asn. To our knowledge, this variant has not been reported in the literature or in a large population database, indicating this variant is rare. At this time, the clinical significance of this variant is uncertain due to the absence of conclusive functional and genetic evidence.

NM_000069.3(CACNA1S):c.4505G>A (p.Ser1502Asn)

Gene: CACNA1S (calcium voltage-gated channel subunit alpha1 S; minus strand). Cytogenetic location: 1q32.1.
Variant type: single nucleotide variant.
Coding change: c.4505G>A on transcript NM_000069.3 (MANE Select); coding-DNA position 4505, G replaced by A.
Protein change: p.Ser1502Asn; replaces serine 1502 with asparagine.
Molecular consequence: missense variant.
Genome position (GRCh38, 1-based): chr1:201,047,563, C>T on the plus strand (G>A on the coding strand, the complement: CACNA1S is on the minus strand). VCF-style: chr1-201047563-C-T. GRCh37 (hg19) VCF-style: chr1-201016691-C-T.
Other names: short protein forms S1502N.
Identifiers: ClinVar variation 3348960 (VCV003348960.1).